The following is an entry in ClinVar:

NM_014672.4(PRORP):c.376A>T (p.Lys126Ter)

Genes: PRORP (protein only RNase P catalytic subunit; plus strand), PRORP-PSMA6 (PRORP-PSMA6 readthrough; plus strand). Cytogenetic location: 14q13.2.
Variant type: single nucleotide variant.
Coding change: c.376A>T on transcript NM_014672.4 (MANE Select); coding-DNA position 376, A replaced by T.
Protein change: p.Lys126Ter; replaces lysine 126 with a stop codon.
Molecular consequence: nonsense. On other transcripts: non-coding transcript variant (4), intron variant (2).
Genome position (GRCh38, 1-based): chr14:35,123,621, A>T. VCF-style: chr14-35123621-A-T. GRCh37 (hg19) VCF-style: chr14-35592827-A-T.
Other names: c.376A>T, p.Lys126Ter (NM_001256678.2, NM_001414503.1); c.91A>T, p.Lys31Ter (NM_001256679.2); c.-131+711A>T (NM_001256680.2); c.-83+711A>T (NM_001256681.2); short protein forms K126*, K31*.
Identifiers: ClinVar variation 5003084 (VCV005003084.1).

ClinVar aggregate classification (germline): Uncertain significance (1 of 4 stars; one submission).

Conditions:
Combined oxidative phosphorylation deficiency 54 (COXPD54). Identifiers: MedGen C5676912, MONDO:0030543, OMIM 619737.

gnomAD v4.1: 1 of 1,614,124 alleles (0.000062%); highest among the groups gnomAD compares: Non-Finnish European, 0.000085%; no homozygotes.

Submission:

OLLIN Analises Genomicas, OLLIN
Classification: Uncertain significance for Combined oxidative phosphorylation deficiency 54. Last evaluated: 2026-08-06. Review status: criteria provided, single submitter. Criteria: ACMG Guidelines 2015 PMID 25741868. Collection method: clinical testing. Allele origin: germline.
Comment: This nonsense variant, located in exon 2 (of 8), has been observed in gnomAD with an allele frequency of 0.000062%, but has not been reported in ClinVar or identified in the literature. This variant introduces a premature stop codon, which is predicted to result in either a truncated protein or degradation of the mRNA via nonsense-mediated decay (NMD). According to the currently available evidence, this variant has been classified as uncertain significance (PM2_P).